The following is an entry in ClinVar:

ClinVar aggregate classification (germline): Uncertain significance (1 of 4 stars; one submission).

Allele frequency attached by ClinVar (database versions not stated): TOPMed below 0.00001; gnomAD 0.00001.
gnomAD v4.1: 16 of 1,613,740 alleles (0.00099%); highest among the groups gnomAD compares: Admixed American, 0.0017%; no homozygotes.

Submission:

Labcorp Genetics (formerly Invitae), Labcorp
Classification: Uncertain significance. Last evaluated: 2022-09-27. Review status: criteria provided, single submitter. Criteria: Invitae Variant Classification Sherloc (09022015). Collection method: clinical testing. Allele origin: germline.
Comment: This sequence change replaces arginine, which is basic and polar, with cysteine, which is neutral and slightly polar, at codon 302 of the GNPTG protein (p.Arg302Cys). This variant is present in population databases (rs775991626, gnomAD 0.006%). This variant has not been reported in the literature in individuals affected with GNPTG-related conditions. ClinVar contains an entry for this variant (Variation ID: 1399471). Algorithms developed to predict the effect of missense changes on protein structure and function are either unavailable or do not agree on the potential impact of this missense change (SIFT: "Deleterious"; PolyPhen-2: "Possibly Damaging"; Align-GVGD: "Class C0"). In summary, the available evidence is currently insufficient to determine the role of this variant in disease. Therefore, it has been classified as a Variant of Uncertain Significance.

NM_032520.5(GNPTG):c.904C>T (p.Arg302Cys)

Gene: GNPTG (N-acetylglucosamine-1-phosphate transferase subunit gamma; plus strand). Cytogenetic location: 16p13.3.
Variant type: single nucleotide variant.
Coding change: c.904C>T on transcript NM_032520.5 (MANE Select); coding-DNA position 904, C replaced by T.
Protein change: p.Arg302Cys; replaces arginine 302 with cysteine.
Molecular consequence: missense variant.
Genome position (GRCh38, 1-based): chr16:1,363,077, C>T. VCF-style: chr16-1363077-C-T. GRCh37 (hg19) VCF-style: chr16-1413078-C-T.
Other names: short protein forms R302C.
Identifiers: ClinVar variation 1399471 (VCV001399471.3), dbSNP rs775991626, ClinGen allele CA7808027.